The following is an entry in ClinVar:

ClinVar aggregate classification (germline): Uncertain significance. Review status: criteria provided, multiple submitters, no conflicts (2 of 4 stars). 7 submissions from 7 submitters: Uncertain significance (7). Last evaluated 2025-01-01.

Conditions:
Inborn genetic diseases. Identifiers: MedGen C0950123, MeSH D030342.
LAMA2-related muscular dystrophy (LAMA2-RD). Also called: Laminin alpha 2-related dystrophy. Identifiers: MedGen C5679788, MONDO:0100228.
Congenital muscular dystrophy due to partial LAMA2 deficiency. Identifiers: MedGen C1842898.

Allele frequency attached by ClinVar (database versions not stated): gnomAD exomes 0.00003 and 0.00005; ExAC 0.00004; gnomAD 0.00004; TOPMed 0.00006; ESP Exome Variant Server 0.00015.
gnomAD v4.1: 87 of 1,613,644 alleles (0.0054%); highest among the groups gnomAD compares: Middle Eastern, 0.033%; no homozygotes.

Submissions (7):

Ambry Genetics
Classification: Uncertain significance for Inborn genetic diseases. Last evaluated: 2025-01-01. Review status: criteria provided, single submitter. Criteria: Ambry Variant Classification Scheme 2023. Collection method: clinical testing. Allele origin: germline.

Labcorp Genetics (formerly Invitae), Labcorp
Classification: Uncertain significance for LAMA2-related muscular dystrophy. Last evaluated: 2024-11-18. Review status: criteria provided, single submitter. Criteria: Invitae Variant Classification Sherloc (09022015). Collection method: clinical testing. Allele origin: germline.
Comment: This sequence change replaces glutamine, which is neutral and polar, with arginine, which is basic and polar, at codon 944 of the LAMA2 protein (p.Gln944Arg). This variant is present in population databases (rs141920360, gnomAD 0.008%). This variant has not been reported in the literature in individuals affected with LAMA2-related conditions. ClinVar contains an entry for this variant (Variation ID: 195461). Invitae Evidence Modeling of protein sequence and biophysical properties (such as structural, functional, and spatial information, amino acid conservation, physicochemical variation, residue mobility, and thermodynamic stability) indicates that this missense variant is not expected to disrupt LAMA2 protein function with a negative predictive value of 95%. In summary, the available evidence is currently insufficient to determine the role of this variant in disease. Therefore, it has been classified as a Variant of Uncertain Significance.

GeneDx
Classification: Uncertain significance. Last evaluated: 2023-10-12. Review status: criteria provided, single submitter. Criteria: GeneDx Variant Classification Process June 2021. Collection method: clinical testing. Allele origin: germline. Affected: yes.
Comment: Not observed at significant frequency in large population cohorts (gnomAD); In silico analysis supports that this missense variant does not alter protein structure/function; Has not been previously published as pathogenic or benign to our knowledge

Mayo Clinic Laboratories, Mayo Clinic
Classification: Uncertain significance. Last evaluated: 2022-05-13. Review status: criteria provided, single submitter. Criteria: ACMG Guidelines, 2015. Collection method: clinical testing. Allele origin: germline. Observed: 1 variant allele.
Comment: BP4, PM2

Revvity Omics, Revvity
Classification: Uncertain significance. Last evaluated: 2021-02-22. Review status: criteria provided, single submitter. Criteria: ACMG Guidelines, 2015. Collection method: clinical testing. Allele origin: germline.

Illumina Laboratory Services, Illumina
Classification: Uncertain significance for Congenital muscular dystrophy due to partial LAMA2 deficiency. Last evaluated: 2018-01-12. Review status: criteria provided, single submitter. Criteria: ICSL Variant Classification Criteria 13 December 2019. Collection method: clinical testing. Allele origin: germline.

Eurofins Ntd Llc (ga)
Classification: Uncertain significance. Last evaluated: 2015-03-31. Review status: criteria provided, single submitter. Criteria: EGL Classification Definitions 2015. Collection method: clinical testing. Allele origin: germline. Observed: 1 variant allele, 1 heterozygote.

NM_000426.4(LAMA2):c.2831A>G (p.Gln944Arg)

Gene: LAMA2 (laminin subunit alpha 2; plus strand). Cytogenetic location: 6q22.33.
Variant type: single nucleotide variant.
Coding change: c.2831A>G on transcript NM_000426.4 (MANE Select); coding-DNA position 2831, A replaced by G.
Protein change: p.Gln944Arg; replaces glutamine 944 with arginine.
Molecular consequence: missense variant.
Genome position (GRCh38, 1-based): chr6:129,291,695, A>G. VCF-style: chr6-129291695-A-G. GRCh37 (hg19) VCF-style: chr6-129612840-A-G.
Other names: p.Gln944Arg; c.2831A>G, p.Gln944Arg (NM_001079823.2); short protein forms Q944R.
Identifiers: ClinVar variation 195461 (VCV000195461.22), dbSNP rs141920360, ClinGen allele CA241890.